The following is an entry in ClinVar:

ClinVar aggregate classification (germline): Pathogenic (1 of 4 stars; one submission).

Submission:

Labcorp Genetics (formerly Invitae), Labcorp
Classification: Pathogenic. Last evaluated: 2025-12-27. Review status: criteria provided, single submitter. Criteria: Invitae Variant Classification Sherloc (09022015). Collection method: clinical testing. Allele origin: germline.
Comment: This sequence change creates a premature translational stop signal (p.Gln474Argfs*7) in the ERCC6 gene. It is expected to result in an absent or disrupted protein product. Loss-of-function variants in ERCC6 are known to be pathogenic (PMID: 18628313, 29572252). This variant is not present in population databases (gnomAD no frequency). This variant has not been reported in the literature in individuals affected with ERCC6-related conditions. For these reasons, this variant has been classified as Pathogenic.

Literature cited by the submitters: PubMed 18628313; PubMed 29572252.

NM_000124.4(ERCC6):c.1420del (p.Gln474fs)

Gene: ERCC6 (ERCC excision repair 6, chromatin remodeling factor; minus strand). Cytogenetic location: 10q11.23.
Variant type: Deletion.
Coding change: c.1420del on transcript NM_000124.4 (MANE Select); coding-DNA position 1420, one base deleted (C; older notation c.1420delC).
Protein change: p.Gln474fs; shifts the reading frame from glutamine 474.
Molecular consequence: frameshift variant.
Genome position (GRCh38, 1-based): chr10:49,505,990, G deleted on the plus strand (C on the coding strand, the reverse complement: ERCC6 is on the minus strand). VCF-style (leftmost placement, unchanged base first): chr10-49505989-TG-T. GRCh37 (hg19) VCF-style: chr10-50714035-TG-T.
Other names: c.1420del, p.Gln474fs (NM_001346440.2); short protein forms Q474fs.
Identifiers: ClinVar variation 4734239 (VCV004734239.1).
Genomic context (GRCh38, chr10:49,505,989, plus strand): 5'-TCAAATTCAGCATCACTTTCCTCAGAATCGTCCTCCAGCTTCAGACGTTTCTCTTTGTCC[TG>T]CAGTCTCAGTTTATTCCATCTCCTACCATGAAAATAAAAATCACATTTCCATTATTTTGA-3'